The following is an entry in ClinVar:

ClinVar aggregate classification (germline): Uncertain significance (1 of 4 stars; one submission).

Conditions:
Hypertrophic cardiomyopathy. Also called: HYPERTROPHIC MYOCARDIOPATHY. Identifiers: Orphanet 217569, MedGen C0007194, MeSH D002312, MONDO:0005045, HP:0001639.

Allele frequency attached by ClinVar (database versions not stated): TOPMed below 0.00001; gnomAD 0.00001.
gnomAD v4.1: 1 of 1,614,130 alleles (0.000062%); highest among the groups gnomAD compares: Non-Finnish European, 0.000085%; no homozygotes.

Submission:

Labcorp Genetics (formerly Invitae), Labcorp
Classification: Uncertain significance for Hypertrophic cardiomyopathy. Last evaluated: 2023-02-28. Review status: criteria provided, single submitter. Criteria: Invitae Variant Classification Sherloc (09022015). Collection method: clinical testing. Allele origin: germline.
Comment: This sequence change replaces lysine, which is basic and polar, with glutamine, which is neutral and polar, at codon 1791 of the MYH7 protein (p.Lys1791Gln). This variant is not present in population databases (gnomAD no frequency). This variant has not been reported in the literature in individuals affected with MYH7-related conditions. Advanced modeling of protein sequence and biophysical properties (such as structural, functional, and spatial information, amino acid conservation, physicochemical variation, residue mobility, and thermodynamic stability) performed at Invitae indicates that this missense variant is expected to disrupt MYH7 protein function. In summary, the available evidence is currently insufficient to determine the role of this variant in disease. Therefore, it has been classified as a Variant of Uncertain Significance.

NM_000257.4(MYH7):c.5371A>C (p.Lys1791Gln)

Gene: MYH7 (myosin heavy chain 7; minus strand). Cytogenetic location: 14q11.2.
Variant type: single nucleotide variant.
Coding change: c.5371A>C on transcript NM_000257.4 (MANE Select); coding-DNA position 5371, A replaced by C.
Protein change: p.Lys1791Gln; replaces lysine 1791 with glutamine.
Molecular consequence: missense variant.
Genome position (GRCh38, 1-based): chr14:23,415,183, T>G on the plus strand (A>C on the coding strand, the complement: MYH7 is on the minus strand). VCF-style: chr14-23415183-T-G. GRCh37 (hg19) VCF-style: chr14-23884392-T-G.
Other names: c.5371A>C, p.Lys1791Gln (NM_001407004.1); short protein forms K1791Q.
Identifiers: ClinVar variation 2841493 (VCV002841493.3), dbSNP rs1362660967, ClinGen allele CA389035707.